The following is an entry in ClinVar:

ClinVar aggregate classification (germline): Conflicting classifications of pathogenicity. Review status: criteria provided, conflicting classifications (1 of 4 stars). 2 submissions from 2 submitters: Uncertain significance (1); Likely benign (1). Last evaluated 2025-10-13.

Conditions:
X-linked intellectual disability Cabezas type (MRXSC). Also called: CABEZAS SYNDROME; MENTAL RETARDATION, X-LINKED, SYNDROMIC 15; Intellectual developmental disorder, X-linked syndromic, Cabezas type. Identifiers: Orphanet 85289, Orphanet 85293, MedGen C1845861, MONDO:0010306, OMIM 300354.
CUL4B-related disorder. Also called: CUL4B-related condition.

Allele frequency attached by ClinVar (database versions not stated): gnomAD exomes below 0.00001; gnomAD 0.00002.
gnomAD v4.1: 8 of 1,209,175 alleles (0.00066%); highest among the groups gnomAD compares: Admixed American, 0.011%; no homozygotes.

Submissions (3):

Labcorp Genetics (formerly Invitae), Labcorp
Classification: Uncertain significance for X-linked intellectual disability Cabezas type. Last evaluated: 2025-10-13. Review status: criteria provided, single submitter. Criteria: Invitae Variant Classification Sherloc (09022015). Collection method: clinical testing. Allele origin: germline.
Comment: This sequence change affects codon 379 of the CUL4B mRNA. It is a 'silent' change, meaning that it does not change the encoded amino acid sequence of the CUL4B protein. It affects a nucleotide within the consensus splice site. This variant is present in population databases (no rsID available, gnomAD 0.007%), including at least one homozygous and/or hemizygous individual. This variant has not been reported in the literature in individuals affected with CUL4B-related conditions. ClinVar contains an entry for this variant (Variation ID: 2919053). Algorithms developed to predict the effect of sequence changes on RNA splicing suggest that this variant is not likely to affect RNA splicing. In summary, the available evidence is currently insufficient to determine the role of this variant in disease. Therefore, it has been classified as a Variant of Uncertain Significance.

PreventionGenetics, part of Exact Sciences
Classification: Likely benign for CUL4B-related condition. Last evaluated: 2025-07-24. Review status: criteria provided, single submitter. Criteria: ACMG Guidelines, 2015. Collection method: clinical testing. Allele origin: germline.
Comment: This variant is classified as likely benign based on ACMG/AMP sequence variant interpretation guidelines (Richards et al. 2015 PMID: 25741868, with internal and published modifications).

Dr. Peter K. Rogan Lab, Western University
No classification provided (evidence only). Condition: Nonpapillary renal cell carcinoma. Review status: no classification provided. Collection method: in vitro. Allele origin: not applicable. Functional consequence: retained intron. Not counted in ClinVar's aggregate classification.

NM_001079872.2(CUL4B):c.1083A>G (p.Gln361=)

Gene: CUL4B (cullin 4B; minus strand). Cytogenetic location: Xq24.
Variant type: single nucleotide variant.
Coding change: c.1083A>G on transcript NM_001079872.2 (MANE Select); coding-DNA position 1083, A replaced by G.
Protein change: p.Gln361=; no amino-acid change (glutamine 361 retained).
Molecular consequence: synonymous variant.
Genome position (GRCh38, 1-based): chrX:120,544,481, T>C on the plus strand (A>G on the coding strand, the complement: CUL4B is on the minus strand). VCF-style: chrX-120544481-T-C. GRCh37 (hg19) VCF-style: chrX-119678336-T-C.
Other names: c.1098A>G, p.Gln366= (NM_001330624.2); c.549A>G, p.Gln183= (NM_001369145.1); c.1137A>G, p.Gln379= (NM_003588.4); c.1137A>G (NM_003588.3).
Identifiers: ClinVar variation 2919053 (VCV002919053.5), dbSNP rs1268468467, ClinGen allele CA518226541.
Genomic context (GRCh38, chrX:120,544,481, plus strand): 5'-GGGGGAAAAAAAACTAGGATAGCAATCAGCTCTGTATAGTAGGTGTAGTAGTTAACTTAC[T>C]TGCAAATCAGACAGCATGCTTAAAAGGCTTCGAAGTAAACTTCTATCAATTGCTTCACCA-3'
Protein context (NP_001073341.1, residues 351-371): RSLLSMLSDL[Gln361=]IYQDSFEQRF